The following is an entry in ClinVar:

ClinVar aggregate classification (germline): Benign (0 of 4 stars; one submission).

Conditions:
LRP1B-related disorder. Also called: LRP1B-related condition.

Allele frequency attached by ClinVar (database versions not stated): 1000 Genomes Project 0.10443; 1000 Genomes Project 30x 0.10603; TOPMed 0.14396; gnomAD 0.15603; ESP Exome Variant Server 0.17146; ExAC 0.17409.
gnomAD v4.1: 328,540 of 1,609,460 alleles (20%); highest among the groups gnomAD compares: Non-Finnish European, 23%; 36,392 homozygotes.

Submission:

PreventionGenetics, part of Exact Sciences
Classification: Benign for LRP1B-related condition. Last evaluated: 2019-10-23. Review status: no assertion criteria provided. Collection method: clinical testing. Allele origin: germline.
Comment: This variant is classified as benign based on ACMG/AMP sequence variant interpretation guidelines (Richards et al. 2015 PMID: 25741868, with internal and published modifications).

NM_018557.3(LRP1B):c.8823C>T (p.Asp2941=)

Gene: LRP1B (LDL receptor related protein 1B; minus strand). Cytogenetic location: 2q22.1.
Variant type: single nucleotide variant.
Coding change: c.8823C>T on transcript NM_018557.3 (MANE Select); coding-DNA position 8823, C replaced by T.
Protein change: p.Asp2941=; no amino-acid change (aspartic acid 2941 retained).
Molecular consequence: synonymous variant.
Genome position (GRCh38, 1-based): chr2:140,501,714, G>A on the plus strand (C>T on the coding strand, the complement: LRP1B is on the minus strand). VCF-style: chr2-140501714-G-A. GRCh37 (hg19) VCF-style: chr2-141259283-G-A.
Identifiers: ClinVar variation 3059120 (VCV003059120.2), dbSNP rs35296183, ClinGen allele CA1893858.